The following is an entry in ClinVar:

ClinVar aggregate classification (germline): Pathogenic (1 of 4 stars; one submission).

Conditions:
Intellectual developmental disorder with autism and macrocephaly. Also called: CHD8-Related Neurodevelopmental Disorder with Overgrowth; Autism, susceptibility to, 18. Identifiers: Orphanet 642675, MedGen C3554373, MONDO:0014017, OMIM 615032.

Submission:

Institute of Human Genetics, University of Leipzig Medical Center
Classification: Pathogenic for Intellectual developmental disorder with autism and macrocephaly. Last evaluated: 2022-02-17. Review status: criteria provided, single submitter. Criteria: ACMG Guidelines, 2015. Collection method: clinical testing. Allele origin: de novo. Affected: yes.
Comment: This variant was identified as de novo (maternity and paternity confirmed)._x000D_ Criteria applied: PVS1, PM2_SUP, PS2_MOD

NM_001170629.2(CHD8):c.5646_5647del (p.Arg1882fs)

Gene: CHD8 (chromodomain helicase DNA binding protein 8; minus strand). Cytogenetic location: 14q11.2.
Variant type: Microsatellite.
Coding change: c.5646_5647del on transcript NM_001170629.2 (MANE Select); coding-DNA positions 5646 to 5647, 2 bases deleted (AG; older notation c.5646_5647delAG).
Protein change: p.Arg1882fs; shifts the reading frame from arginine 1882.
Molecular consequence: frameshift variant.
Genome position (GRCh38, 1-based): chr14:21,394,148-21,394,149, CT deleted on the plus strand (AG on the coding strand, the reverse complement: CHD8 is on the minus strand); deleting any 2 consecutive bases within chr14:21,394,148-21,394,154 gives the same sequence; the c. name uses the placement nearest the transcript's 3' end. VCF-style (leftmost placement, unchanged base first): chr14-21394147-GCT-G. GRCh37 (hg19) VCF-style: chr14-21862306-GCT-G.
Other names: c.4809_4810del, p.Arg1603fs (NM_020920.4); short protein forms R1603fs, R1882fs.
Identifiers: ClinVar variation 1297051 (VCV001297051.2), dbSNP rs2139448045, ClinGen allele CA2580616555.